The following is an entry in ClinVar:

NM_001199107.2(TBC1D24):c.1642G>T (p.Val548Leu)

Gene: TBC1D24 (TBC1 domain family member 24; plus strand). Cytogenetic location: 16p13.3.
Variant type: single nucleotide variant.
Coding change: c.1642G>T on transcript NM_001199107.2 (MANE Select); coding-DNA position 1642, G replaced by T.
Protein change: p.Val548Leu; replaces valine 548 with leucine.
Molecular consequence: missense variant.
Genome position (GRCh38, 1-based): chr16:2,500,920, G>T. VCF-style: chr16-2500920-G-T. GRCh37 (hg19) VCF-style: chr16-2550921-G-T.
Other names: c.1624G>T, p.Val542Leu (NM_020705.3); short protein forms V542L, V548L.
Identifiers: ClinVar variation 2945473 (VCV002945473.3), dbSNP rs201649140, ClinGen allele CA394382394.

ClinVar aggregate classification (germline): Uncertain significance (1 of 4 stars; one submission).

Conditions:
Autosomal dominant nonsyndromic hearing loss 65. Also called: Deafness, autosomal dominant 65; TBC1D24-Related Autosomal Dominant Nonsyndromic Hearing Loss (DFNA). Identifiers: Orphanet 90635, MedGen C3892048, MONDO:0014470, OMIM 616044.
Developmental and epileptic encephalopathy, 1 (DEE1). Also called: INFANTILE SPASM SYNDROME, X-LINKED 1; X-linked infantile spasms; West's syndrome; Tonic spasms with clustering, arrest of psychomotor development and hypsarrhythmia on EEG; X-Linked Infantile Spasm Syndrome; OHTAHARA SYNDROME, X-LINKED. Identifiers: MedGen C3463992, MONDO:0010632, OMIM 308350. Disease mechanism: loss of function.

Submission:

Labcorp Genetics (formerly Invitae), Labcorp
Classification: Uncertain significance for Developmental and epileptic encephalopathy, 1; Autosomal dominant nonsyndromic hearing loss 65. Last evaluated: 2023-03-18. Review status: criteria provided, single submitter. Criteria: Invitae Variant Classification Sherloc (09022015). Collection method: clinical testing. Allele origin: germline.
Comment: Advanced modeling of protein sequence and biophysical properties (such as structural, functional, and spatial information, amino acid conservation, physicochemical variation, residue mobility, and thermodynamic stability) performed at Invitae indicates that this missense variant is not expected to disrupt TBC1D24 protein function. In summary, the available evidence is currently insufficient to determine the role of this variant in disease. Therefore, it has been classified as a Variant of Uncertain Significance. This variant has not been reported in the literature in individuals affected with TBC1D24-related conditions. This variant is not present in population databases (gnomAD no frequency). This sequence change replaces valine, which is neutral and non-polar, with leucine, which is neutral and non-polar, at codon 548 of the TBC1D24 protein (p.Val548Leu).